The following is an entry in ClinVar:

NM_001194998.2(CEP152):c.2204A>G (p.Glu735Gly)

Gene: CEP152 (centrosomal protein 152; minus strand). Cytogenetic location: 15q21.1.
Variant type: single nucleotide variant.
Coding change: c.2204A>G on transcript NM_001194998.2 (MANE Select); coding-DNA position 2204, A replaced by G.
Protein change: p.Glu735Gly; replaces glutamic acid 735 with glycine.
Molecular consequence: missense variant.
Genome position (GRCh38, 1-based): chr15:48,767,136, T>C on the plus strand (A>G on the coding strand, the complement: CEP152 is on the minus strand). VCF-style: chr15-48767136-T-C. GRCh37 (hg19) VCF-style: chr15-49059333-T-C.
Other names: c.2204A>G (NM_014985.3); c.2204A>G, p.Glu735Gly (NM_014985.4); short protein forms E735G.
Identifiers: ClinVar variation 1393088 (VCV001393088.6), dbSNP rs199827040, ClinGen allele CA7548639.

ClinVar aggregate classification (germline): Uncertain significance. Review status: criteria provided, multiple submitters, no conflicts (2 of 4 stars). 2 submissions from 2 submitters: Uncertain significance (2). Last evaluated 2025-10-24.

Conditions:
Inborn genetic diseases. Identifiers: MedGen C0950123, MeSH D030342.

Allele frequency attached by ClinVar (database versions not stated): gnomAD exomes 0.00001 and 0.00002; gnomAD 0.00006 and 0.00007; TOPMed 0.00024; ExAC 0.00002; 1000 Genomes Project 30x 0.00047; 1000 Genomes Project 0.00040.
gnomAD v4.1: 22 of 1,613,794 alleles (0.0014%); highest among the groups gnomAD compares: Admixed American, 0.023%; no homozygotes.

Submissions (2):

Ambry Genetics
Classification: Uncertain significance for Inborn genetic diseases. Last evaluated: 2025-10-24. Review status: criteria provided, single submitter. Criteria: Ambry Variant Classification Scheme 2023. Collection method: clinical testing. Allele origin: germline.

Labcorp Genetics (formerly Invitae), Labcorp
Classification: Uncertain significance. Last evaluated: 2022-07-27. Review status: criteria provided, single submitter. Criteria: Invitae Variant Classification Sherloc (09022015). Collection method: clinical testing. Allele origin: germline.
Comment: This sequence change replaces glutamic acid, which is acidic and polar, with glycine, which is neutral and non-polar, at codon 735 of the CEP152 protein (p.Glu735Gly). This variant is present in population databases (rs199827040, gnomAD 0.006%). This variant has not been reported in the literature in individuals affected with CEP152-related conditions. ClinVar contains an entry for this variant (Variation ID: 1393088). Algorithms developed to predict the effect of missense changes on protein structure and function (SIFT, PolyPhen-2, Align-GVGD) all suggest that this variant is likely to be tolerated. In summary, the available evidence is currently insufficient to determine the role of this variant in disease. Therefore, it has been classified as a Variant of Uncertain Significance.